The following is an entry in ClinVar:

NM_182961.4(SYNE1):c.3720A>G (p.Ile1240Met)

Gene: SYNE1 (spectrin repeat containing nuclear envelope protein 1; minus strand). Cytogenetic location: 6q25.2.
Variant type: single nucleotide variant.
Coding change: c.3720A>G on transcript NM_182961.4 (MANE Select); coding-DNA position 3720, A replaced by G.
Protein change: p.Ile1240Met; replaces isoleucine 1240 with methionine.
Molecular consequence: missense variant.
Genome position (GRCh38, 1-based): chr6:152,444,528, T>C on the plus strand (A>G on the coding strand, the complement: SYNE1 is on the minus strand). VCF-style: chr6-152444528-T-C. GRCh37 (hg19) VCF-style: chr6-152765663-T-C.
Other names: c.3741A>G, p.Ile1247Met (NM_033071.5); short protein forms I1240M, I1247M.
Identifiers: ClinVar variation 2062239 (VCV002062239.4), dbSNP rs2098558274, ClinGen allele CA366147718.

ClinVar aggregate classification (germline): Uncertain significance (1 of 4 stars; one submission).

Conditions:
Emery-Dreifuss muscular dystrophy 4, autosomal dominant (EDMD4). Also called: EMERY-DREIFUSS MUSCULAR DYSTROPHY 4 WITH VARIABLE FEATURES. Identifiers: Orphanet 261, MedGen C2751807, MONDO:0013071, OMIM 612998.
Autosomal recessive ataxia, Beauce type. Also called: SYNE1 Deficiency; Spinocerebellar ataxia, autosomal recessive 8; ATAXIA, RECESSIVE, OF BEAUCE; SYNE1-Related Autosomal Recessive Cerebellar Ataxia. Identifiers: Orphanet 88644, MedGen C1853116, MONDO:0012549, OMIM 610743.

Allele frequency attached by ClinVar (database versions not stated): gnomAD exomes below 0.00001; TOPMed below 0.00001.
gnomAD v4.1: 3 of 1,613,766 alleles (0.00019%); highest among the groups gnomAD compares: Non-Finnish European, 0.00025%; no homozygotes.

Submission:

Labcorp Genetics (formerly Invitae), Labcorp
Classification: Uncertain significance for Emery-Dreifuss muscular dystrophy 4, autosomal dominant; Autosomal recessive ataxia, Beauce type. Last evaluated: 2022-05-29. Review status: criteria provided, single submitter. Criteria: Invitae Variant Classification Sherloc (09022015). Collection method: clinical testing. Allele origin: germline.
Comment: In summary, the available evidence is currently insufficient to determine the role of this variant in disease. Therefore, it has been classified as a Variant of Uncertain Significance. Algorithms developed to predict the effect of missense changes on protein structure and function (SIFT, PolyPhen-2, Align-GVGD) all suggest that this variant is likely to be tolerated. This variant has not been reported in the literature in individuals affected with SYNE1-related conditions. This variant is not present in population databases (gnomAD no frequency). This sequence change replaces isoleucine, which is neutral and non-polar, with methionine, which is neutral and non-polar, at codon 1247 of the SYNE1 protein (p.Ile1247Met).